The following is an entry in ClinVar:

NM_004035.7(ACOX1):c.909C>G (p.Tyr303Ter)

Gene: ACOX1 (acyl-CoA oxidase 1; minus strand). Cytogenetic location: 17q25.1.
Variant type: single nucleotide variant.
Coding change: c.909C>G on transcript NM_004035.7 (MANE Select); coding-DNA position 909, C replaced by G.
Protein change: p.Tyr303Ter; replaces tyrosine 303 with a stop codon.
Molecular consequence: nonsense.
Genome position (GRCh38, 1-based): chr17:75,953,486, G>C on the plus strand (C>G on the coding strand, the complement: ACOX1 is on the minus strand). VCF-style: chr17-75953486-G-C. GRCh37 (hg19) VCF-style: chr17-73949567-G-C.
Other names: c.795C>G, p.Tyr265Ter (NM_001185039.2); c.909C>G, p.Tyr303Ter (NM_007292.6); short protein forms Y303*, Y265*.
Identifiers: ClinVar variation 2696493 (VCV002696493.3), dbSNP rs750610720, ClinGen allele CA8776896.

ClinVar aggregate classification (germline): Pathogenic (1 of 4 stars; one submission).

Conditions:
Acyl-CoA oxidase deficiency. Also called: Peroxisomal acyl-CoA oxidase deficiency; Pseudoneonatal adrenoleukodystrophy; STRAIGHT-CHAIN ACYL-CoA OXIDASE DEFICIENCY. Identifiers: Orphanet 2971, MedGen C1849678, MONDO:0009919, OMIM 264470. Disease mechanism: loss of function.

Allele frequency attached by ClinVar (database versions not stated): ExAC 0.00001.

Submission:

Labcorp Genetics (formerly Invitae), Labcorp
Classification: Pathogenic for Acyl-CoA oxidase deficiency. Last evaluated: 2023-11-17. Review status: criteria provided, single submitter. Criteria: Invitae Variant Classification Sherloc (09022015). Collection method: clinical testing. Allele origin: germline.
Comment: This sequence change creates a premature translational stop signal (p.Tyr303*) in the ACOX1 gene. It is expected to result in an absent or disrupted protein product. Loss-of-function variants in ACOX1 are known to be pathogenic (PMID: 8040306, 17458872). This variant is present in population databases (rs750610720, gnomAD 0.003%). This variant has not been reported in the literature in individuals affected with ACOX1-related conditions. For these reasons, this variant has been classified as Pathogenic.

Literature cited by the submitters: PubMed 8040306; PubMed 17458872.